The following is an entry in ClinVar:

ClinVar aggregate classification (germline): Uncertain significance. Review status: criteria provided, multiple submitters, no conflicts (2 of 4 stars). 5 submissions from 5 submitters: Uncertain significance (5). Last evaluated 2025-08-04.

Conditions:
Hereditary cancer-predisposing syndrome. Also called: Neoplastic Syndromes, Hereditary; Hereditary Cancer Syndrome; Hereditary neoplastic syndrome; Tumor predisposition. Identifiers: Orphanet 140162, MedGen C0027672, MeSH D009386, MONDO:0015356.
Gastrointestinal stromal tumor. Also called: Gastrointestinal stroma tumor; Gastrointestinal stromal tumor, somatic. Identifiers: Orphanet 44890, MedGen C0238198, MeSH D046152, MONDO:0011719, OMIM 606764, HP:0100723.

Allele frequency attached by ClinVar (database versions not stated): gnomAD 0.00001; TOPMed 0.00001.

Submissions (5):

Labcorp Genetics (formerly Invitae), Labcorp
Classification: Uncertain significance for Gastrointestinal stromal tumor. Last evaluated: 2025-08-04. Review status: criteria provided, single submitter. Criteria: Invitae Variant Classification Sherloc (09022015). Collection method: clinical testing. Allele origin: germline.
Comment: This sequence change replaces alanine, which is neutral and non-polar, with valine, which is neutral and non-polar, at codon 616 of the KIT protein (p.Ala616Val). This variant is not present in population databases (gnomAD no frequency). This variant has not been reported in the literature in individuals affected with KIT-related conditions. ClinVar contains an entry for this variant (Variation ID: 409765). An algorithm developed to predict the effect of missense changes on protein structure and function (PolyPhen-2) suggests that this variant is likely to be tolerated. In summary, the available evidence is currently insufficient to determine the role of this variant in disease. Therefore, it has been classified as a Variant of Uncertain Significance.

Ambry Genetics
Classification: Uncertain significance for Hereditary cancer-predisposing syndrome. Last evaluated: 2024-12-27. Review status: criteria provided, single submitter. Criteria: Ambry Variant Classification Scheme 2023. Collection method: clinical testing. Allele origin: germline.
Comment: The p.A616V variant (also known as c.1847C>T), located in coding exon 12 of the KIT gene, results from a C to T substitution at nucleotide position 1847. The alanine at codon 616 is replaced by valine, an amino acid with similar properties. This amino acid position is not well conserved in available vertebrate species. In addition, the in silico prediction for this alteration is inconclusive. Based on the available evidence, the clinical significance of this variant remains unclear.

Baylor Genetics
Classification: Uncertain significance for Gastrointestinal stromal tumor. Last evaluated: 2023-12-26. Review status: criteria provided, single submitter. Criteria: ACMG Guidelines, 2015. Collection method: clinical testing. Allele origin: unknown.

GeneDx
Classification: Uncertain significance. Last evaluated: 2023-10-04. Review status: criteria provided, single submitter. Criteria: GeneDx Variant Classification Process June 2021. Collection method: clinical testing. Allele origin: germline. Affected: yes.
Comment: Not observed at significant frequency in large population cohorts (gnomAD); In silico analysis supports that this missense variant has a deleterious effect on protein structure/function; Has not been previously published as pathogenic or benign to our knowledge

Laboratorio de Genetica e Diagnostico Molecular, Hospital Israelita Albert Einstein
Classification: Uncertain significance for Gastrointestinal stromal tumor. Last evaluated: 2022-06-17. Review status: criteria provided, single submitter. Criteria: ACMG Guidelines, 2015. Collection method: clinical testing. Allele origin: germline. Affected: yes. Observed: 1 variant allele.
Comment: ACMG classification criteria: PM2 moderated

NM_000222.3(KIT):c.1847C>T (p.Ala616Val)

Gene: KIT (KIT proto-oncogene, receptor tyrosine kinase; plus strand). Cytogenetic location: 4q12.
Variant type: single nucleotide variant.
Coding change: c.1847C>T on transcript NM_000222.3 (MANE Select); coding-DNA position 1847, C replaced by T.
Protein change: p.Ala616Val; replaces alanine 616 with valine.
Molecular consequence: missense variant.
Genome position (GRCh38, 1-based): chr4:54,727,895, C>T. VCF-style: chr4-54727895-C-T. GRCh37 (hg19) VCF-style: chr4-55594061-C-T.
Other names: c.1835C>T, p.Ala612Val (NM_001093772.2, NM_001385286.1); c.1850C>T, p.Ala617Val (NM_001385284.1, NM_001385290.1); c.1847C>T, p.Ala616Val (NM_001385285.1); c.1838C>T, p.Ala613Val (NM_001385288.1, NM_001385292.1); short protein forms A616V, A612V, A613V, A617V.
Identifiers: ClinVar variation 409765 (VCV000409765.22), dbSNP rs891140054, ClinGen allele CA16611669.